The following is an entry in ClinVar:

NM_000051.4(ATM):c.6422C>G (p.Ser2141Cys)

Genes: ATM (ATM serine/threonine kinase; plus strand), C11orf65 (chromosome 11 open reading frame 65; minus strand). Cytogenetic location: 11q22.3.
Variant type: single nucleotide variant.
Coding change: c.6422C>G on transcript NM_000051.4 (MANE Select); coding-DNA position 6422, C replaced by G.
Protein change: p.Ser2141Cys; replaces serine 2141 with cysteine.
Molecular consequence: missense variant. On other transcripts: intron variant (2).
Genome position (GRCh38, 1-based): chr11:108,320,028, C>G. VCF-style: chr11-108320028-C-G. GRCh37 (hg19) VCF-style: chr11-108190755-C-G.
Other names: c.6422C>G, p.Ser2141Cys (NM_001351834.2); c.641-10957G>C (NM_001330368.2); c.*39-10957G>C (NM_001351110.2); short protein forms S2141C.
Identifiers: ClinVar variation 1753441 (VCV001753441.5), dbSNP rs2136221538, ClinGen allele CA382553499.

ClinVar aggregate classification (germline): Uncertain significance. Review status: criteria provided, multiple submitters, no conflicts (2 of 4 stars). 2 submissions from 2 submitters: Uncertain significance (2). Last evaluated 2022-12-07.

Conditions:
Hereditary cancer-predisposing syndrome. Also called: Hereditary neoplastic syndrome; Neoplastic Syndromes, Hereditary; Tumor predisposition; Hereditary Cancer Syndrome. Identifiers: Orphanet 140162, MedGen C0027672, MeSH D009386, MONDO:0015356.
Ataxia-telangiectasia syndrome (AT). Also called: Ataxia telangiectasia (A-T); LOUIS-BAR SYNDROME; Cerebello-oculocutaneous telangiectasia; Immunodeficiency with ataxia telangiectasia; Ataxia-telangiectasia, complementation group D; AT, COMPLEMENTATION GROUP C. Identifiers: Orphanet 100, MedGen C0004135, MONDO:0008840, OMIM 208900.

Allele frequency attached by ClinVar (database versions not stated): gnomAD exomes below 0.00001.
gnomAD v4.1: 1 of 1,608,832 alleles (0.000062%); highest among the groups gnomAD compares: Middle Eastern, 0.017%; no homozygotes.

Submissions (2):

Labcorp Genetics (formerly Invitae), Labcorp
Classification: Uncertain significance for Ataxia-telangiectasia syndrome. Last evaluated: 2022-12-07. Review status: criteria provided, single submitter. Criteria: Invitae Variant Classification Sherloc (09022015). Collection method: clinical testing. Allele origin: germline.
Comment: This variant is not present in population databases (gnomAD no frequency). This sequence change replaces serine, which is neutral and polar, with cysteine, which is neutral and slightly polar, at codon 2141 of the ATM protein (p.Ser2141Cys). This variant has not been reported in the literature in individuals affected with ATM-related conditions. ClinVar contains an entry for this variant (Variation ID: 1753441). Algorithms developed to predict the effect of missense changes on protein structure and function (SIFT, PolyPhen-2, Align-GVGD) all suggest that this variant is likely to be tolerated. In summary, the available evidence is currently insufficient to determine the role of this variant in disease. Therefore, it has been classified as a Variant of Uncertain Significance.

Ambry Genetics
Classification: Uncertain significance for Hereditary cancer-predisposing syndrome. Last evaluated: 2021-10-20. Review status: criteria provided, single submitter. Criteria: Ambry Variant Classification Scheme 2023. Collection method: clinical testing. Allele origin: germline.
Comment: The p.S2141C variant (also known as c.6422C>G), located in coding exon 43 of the ATM gene, results from a C to G substitution at nucleotide position 6422. The serine at codon 2141 is replaced by cysteine, an amino acid with dissimilar properties. This amino acid position is conserved. In addition, this alteration is predicted to be tolerated by in silico analysis. Since supporting evidence is limited at this time, the clinical significance of this alteration remains unclear.